The following is an entry in ClinVar:

NM_000562.3(C8A):c.1345T>C (p.Ser449Pro)

Gene: C8A (complement C8 alpha chain; plus strand). Cytogenetic location: 1p32.2.
Variant type: single nucleotide variant.
Coding change: c.1345T>C on transcript NM_000562.3 (MANE Select); coding-DNA position 1345, T replaced by C.
Protein change: p.Ser449Pro; replaces serine 449 with proline.
Molecular consequence: missense variant.
Genome position (GRCh38, 1-based): chr1:56,908,078, T>C. VCF-style: chr1-56908078-T-C. GRCh37 (hg19) VCF-style: chr1-57373751-T-C.
Other names: short protein forms S449P.
Identifiers: ClinVar variation 1961073 (VCV001961073.5), dbSNP rs1034958241, ClinGen allele CA22839013.

ClinVar aggregate classification (germline): Uncertain significance (1 of 4 stars; one submission).

Allele frequency attached by ClinVar (database versions not stated): gnomAD 0.00001; gnomAD exomes 0.00001; TOPMed 0.00001.

Submission:

Labcorp Genetics (formerly Invitae), Labcorp
Classification: Uncertain significance. Last evaluated: 2023-09-04. Review status: criteria provided, single submitter. Criteria: Invitae Variant Classification Sherloc (09022015). Collection method: clinical testing. Allele origin: germline.
Comment: In summary, the available evidence is currently insufficient to determine the role of this variant in disease. Therefore, it has been classified as a Variant of Uncertain Significance. An algorithm developed to predict the effect of missense changes on protein structure and function (PolyPhen-2) suggests that this variant is likely to be disruptive. ClinVar contains an entry for this variant (Variation ID: 1961073). This variant has not been reported in the literature in individuals affected with C8A-related conditions. This variant is present in population databases (no rsID available, gnomAD 0.007%). This sequence change replaces serine, which is neutral and polar, with proline, which is neutral and non-polar, at codon 449 of the C8A protein (p.Ser449Pro).